The following is an entry in ClinVar:

ClinVar aggregate classification (germline): Uncertain significance (1 of 4 stars; one submission).

Conditions:
Hereditary cancer-predisposing syndrome. Also called: Neoplastic Syndromes, Hereditary; Tumor predisposition; Hereditary Cancer Syndrome; Hereditary neoplastic syndrome. Identifiers: Orphanet 140162, MedGen C0027672, MeSH D009386, MONDO:0015356.

Allele frequency attached by ClinVar (database versions not stated): gnomAD exomes below 0.00001.
gnomAD v4.1: 4 of 1,612,942 alleles (0.00025%); highest among the groups gnomAD compares: Non-Finnish European, 0.00034%; no homozygotes.

Submission:

Ambry Genetics
Classification: Uncertain significance for Hereditary cancer-predisposing syndrome. Last evaluated: 2022-01-15. Review status: criteria provided, single submitter. Criteria: Ambry Variant Classification Scheme 2023. Collection method: clinical testing. Allele origin: germline.
Comment: The p.L3011V variant (also known as c.9031C>G), located in coding exon 22 of the BRCA2 gene, results from a C to G substitution at nucleotide position 9031. The leucine at codon 3011 is replaced by valine, an amino acid with highly similar properties. This amino acid position is conserved. In addition, the in silico prediction for this alteration is inconclusive. Since supporting evidence is limited at this time, the clinical significance of this alteration remains unclear.

NM_000059.4(BRCA2):c.9031C>G (p.Leu3011Val)

Gene: BRCA2 (BRCA2 DNA repair associated; plus strand). Cytogenetic location: 13q13.1.
Variant type: single nucleotide variant.
Coding change: c.9031C>G on transcript NM_000059.4 (MANE Select); coding-DNA position 9031, C replaced by G.
Protein change: p.Leu3011Val; replaces leucine 3011 with valine.
Molecular consequence: missense variant.
Genome position (GRCh38, 1-based): chr13:32,379,827, C>G. VCF-style: chr13-32379827-C-G. GRCh37 (hg19) VCF-style: chr13-32953964-C-G.
Other names: c.8935C>G, p.Leu2979Val (NM_001406719.1); c.8980C>G, p.Leu2994Val (NM_001406720.1); c.4099C>G, p.Leu1367Val (NM_001406721.1); c.2614C>G, p.Leu872Val (NM_001406722.1); short protein forms L1367V, L2994V, L3011V, L2979V, L872V.
Identifiers: ClinVar variation 1765542 (VCV001765542.2), dbSNP rs2548555674, ClinGen allele CA387757506.